The following is an entry in ClinVar:

NM_005732.4(RAD50):c.20T>A (p.Met7Lys)

Gene: RAD50 (RAD50 double strand break repair protein; plus strand). Cytogenetic location: 5q31.1.
Variant type: single nucleotide variant.
Coding change: c.20T>A on transcript NM_005732.4 (MANE Select); coding-DNA position 20, T replaced by A.
Protein change: p.Met7Lys; replaces methionine 7 with lysine.
Molecular consequence: missense variant.
Genome position (GRCh38, 1-based): chr5:132,557,344, T>A. VCF-style: chr5-132557344-T-A. GRCh37 (hg19) VCF-style: chr5-131893036-T-A.
Other names: short protein forms M7K.
Identifiers: ClinVar variation 2302468 (VCV002302468.2), dbSNP rs1580974357, ClinGen allele CA360950801.

ClinVar aggregate classification (germline): Uncertain significance (1 of 4 stars; one submission).

Conditions:
Hereditary cancer-predisposing syndrome. Also called: Hereditary Cancer Syndrome; Hereditary neoplastic syndrome; Neoplastic Syndromes, Hereditary; Tumor predisposition. Identifiers: Orphanet 140162, MedGen C0027672, MeSH D009386, MONDO:0015356.

Allele frequency attached by ClinVar (database versions not stated): gnomAD exomes below 0.00001.
gnomAD v4.1: 2 of 1,613,920 alleles (0.00012%); highest among the groups gnomAD compares: Non-Finnish European, 0.00017%; no homozygotes.

Submission:

Ambry Genetics
Classification: Uncertain significance for Hereditary cancer-predisposing syndrome. Last evaluated: 2024-02-08. Review status: criteria provided, single submitter. Criteria: Ambry Variant Classification Scheme 2023. Collection method: clinical testing. Allele origin: germline.
Comment: The p.M7K variant (also known as c.20T>A), located in coding exon 1 of the RAD50 gene, results from a T to A substitution at nucleotide position 20. The methionine at codon 7 is replaced by lysine, an amino acid with similar properties. This amino acid position is conserved. In addition, the in silico prediction for this alteration is inconclusive. Since supporting evidence is limited at this time, the clinical significance of this alteration remains unclear.